The following is an entry in ClinVar:

NM_176869.3(PPA2):c.121G>A (p.Gly41Ser)

Gene: PPA2 (inorganic pyrophosphatase 2; minus strand). Cytogenetic location: 4q24.
Variant type: single nucleotide variant.
Coding change: c.121G>A on transcript NM_176869.3 (MANE Select); coding-DNA position 121, G replaced by A.
Protein change: p.Gly41Ser; replaces glycine 41 with serine.
Molecular consequence: missense variant.
Genome position (GRCh38, 1-based): chr4:105,473,930, C>T on the plus strand (G>A on the coding strand, the complement: PPA2 is on the minus strand). VCF-style: chr4-105473930-C-T. GRCh37 (hg19) VCF-style: chr4-106395087-C-T.
Other names: c.121G>A, p.Gly41Ser (NM_006903.4, NM_176866.2, NM_176867.3); c.121G>A (NM_176869.2); short protein forms G41S.
Identifiers: ClinVar variation 2184033 (VCV002184033.2), dbSNP rs761792409, ClinGen allele CA3032844.
Genomic context (GRCh38, chr4:105,473,930, plus strand): 5'-GGCGAACCTCCGGGAGCTACTTACTAAAGAAGAGGCGGTAATTCTGCGAGCAGGGCTGGC[C>T]GCGCTCCTCAGTGTGGTACAGGGCCATAGCACGGCGCGACCCGGTCCCTGCACTGGTCCC-3'
Protein context (NP_789845.1, residues 31-51): AMALYHTEER[Gly41Ser]QPCSQNYRLF

ClinVar aggregate classification (germline): Uncertain significance. Review status: criteria provided, multiple submitters, no conflicts (2 of 4 stars). 2 submissions from 2 submitters: Uncertain significance (2). Last evaluated 2025-04-24.

Conditions:
Inborn genetic diseases. Identifiers: MedGen C0950123, MeSH D030342.

Allele frequency attached by ClinVar (database versions not stated): gnomAD 0.00007; ExAC 0.00001; TOPMed 0.00007; gnomAD exomes 0.00002.

Submissions (2):

Ambry Genetics
Classification: Uncertain significance for Inborn genetic diseases. Last evaluated: 2025-04-24. Review status: criteria provided, single submitter. Criteria: Ambry Variant Classification Scheme 2023. Collection method: clinical testing. Allele origin: germline.

Labcorp Genetics (formerly Invitae), Labcorp
Classification: Uncertain significance. Last evaluated: 2022-03-05. Review status: criteria provided, single submitter. Criteria: Invitae Variant Classification Sherloc (09022015). Collection method: clinical testing. Allele origin: germline.
Comment: This sequence change replaces glycine, which is neutral and non-polar, with serine, which is neutral and polar, at codon 41 of the PPA2 protein (p.Gly41Ser). This variant is present in population databases (rs761792409, gnomAD 0.02%). This variant has not been reported in the literature in individuals affected with PPA2-related conditions. Algorithms developed to predict the effect of missense changes on protein structure and function are either unavailable or do not agree on the potential impact of this missense change (SIFT: "Deleterious"; PolyPhen-2: "Possibly Damaging"; Align-GVGD: "Class C0"). In summary, the available evidence is currently insufficient to determine the role of this variant in disease. Therefore, it has been classified as a Variant of Uncertain Significance.